The following is an entry in ClinVar:

NM_001843.4(CNTN1):c.2252G>A (p.Gly751Glu)

Gene: CNTN1 (contactin 1; plus strand). Cytogenetic location: 12q12.
Variant type: single nucleotide variant.
Coding change: c.2252G>A on transcript NM_001843.4 (MANE Select); coding-DNA position 2252, G replaced by A.
Protein change: p.Gly751Glu; replaces glycine 751 with glutamic acid.
Molecular consequence: missense variant.
Genome position (GRCh38, 1-based): chr12:41,016,749, G>A. VCF-style: chr12-41016749-G-A. GRCh37 (hg19) VCF-style: chr12-41410551-G-A.
Other names: c.2219G>A, p.Gly740Glu (NM_175038.2); c.2252G>A (NM_001843.3, NM_001843.2); short protein forms G740E, G751E.
Identifiers: ClinVar variation 1037669 (VCV001037669.9), dbSNP rs1948790119, ClinGen allele CA384586754.

ClinVar aggregate classification (germline): Uncertain significance. Review status: criteria provided, multiple submitters, no conflicts (2 of 4 stars). 3 submissions from 3 submitters: Uncertain significance (3). Last evaluated 2025-01-14.

Conditions:
Inborn genetic diseases. Identifiers: MedGen C0950123, MeSH D030342.
Compton-North congenital myopathy (CMYO12). Identifiers: Orphanet 210163, MedGen C2675527, MONDO:0012929, OMIM 612540.

Submissions (3):

Ambry Genetics
Classification: Uncertain significance for Inborn genetic diseases. Last evaluated: 2025-01-14. Review status: criteria provided, single submitter. Criteria: Ambry Variant Classification Scheme 2023. Collection method: clinical testing. Allele origin: germline.

GeneDx
Classification: Uncertain significance. Last evaluated: 2024-07-09. Review status: criteria provided, single submitter. Criteria: GeneDx Variant Classification Process June 2021. Collection method: clinical testing. Allele origin: germline. Affected: yes.
Comment: Not observed at significant frequency in large population cohorts (gnomAD); In silico analysis indicates that this missense variant does not alter protein structure/function; Has not been previously published as pathogenic or benign to our knowledge

Labcorp Genetics (formerly Invitae), Labcorp
Classification: Uncertain significance for Compton-North congenital myopathy. Last evaluated: 2022-08-09. Review status: criteria provided, single submitter. Criteria: Invitae Variant Classification Sherloc (09022015). Collection method: clinical testing. Allele origin: germline.
Comment: This variant is not present in population databases (gnomAD no frequency). This sequence change replaces glycine, which is neutral and non-polar, with glutamic acid, which is acidic and polar, at codon 751 of the CNTN1 protein (p.Gly751Glu). In summary, the available evidence is currently insufficient to determine the role of this variant in disease. Therefore, it has been classified as a Variant of Uncertain Significance. Advanced modeling of protein sequence and biophysical properties (such as structural, functional, and spatial information, amino acid conservation, physicochemical variation, residue mobility, and thermodynamic stability) performed at Invitae indicates that this missense variant is not expected to disrupt CNTN1 protein function. ClinVar contains an entry for this variant (Variation ID: 1037669). This variant has not been reported in the literature in individuals affected with CNTN1-related conditions.